The following is an entry in ClinVar:

NM_001378189.1(CFAP57):c.3307C>T (p.Arg1103Trp)

Genes: CFAP57 (cilia and flagella associated protein 57; plus strand), EBNA1BP2 (EBNA1 binding protein 2; minus strand), LOC105378685 (uncharacterized LOC105378685; minus strand). Cytogenetic location: 1p34.2.
Variant type: single nucleotide variant.
Coding change: c.3307C>T on transcript NM_001378189.1 (MANE Select); coding-DNA position 3307, C replaced by T.
Protein change: p.Arg1103Trp; replaces arginine 1103 with tryptophan.
Molecular consequence: missense variant.
Genome position (GRCh38, 1-based): chr1:43,234,540, C>T. VCF-style: chr1-43234540-C-T. GRCh37 (hg19) VCF-style: chr1-43700211-C-T.
Other names: c.3406C>T, p.Arg1136Trp (NM_001195831.3); short protein forms R1103W, R1136W.
Identifiers: ClinVar variation 3044235 (VCV003044235.2), dbSNP rs199613598, ClinGen allele CA804996.
Genomic context (GRCh38, chr1:43,234,540, plus strand): 5'-CCTGGGCCCCGTCAGGTGGAGATCGCAGGGCTGAACACAGACCTGCAGCAGGAGTACACC[C>T]GGCAGCGGGAGCACCTGGAGAGGAACCTGGCCACTCTCAAGAAGAAGGTGGTCAAGGAGG-3'
Protein context (NP_001365118.1, residues 1093-1113): LNTDLQQEYT[Arg1103Trp]QREHLERNLA

ClinVar aggregate classification (germline): Benign (0 of 4 stars; one submission).

Conditions:
CFAP57-related disorder. Also called: CFAP57-related condition.

Allele frequency attached by ClinVar (database versions not stated): ExAC 0.00028; gnomAD exomes 0.00041; gnomAD 0.00053; TOPMed 0.00078; 1000 Genomes Project 30x 0.00141; 1000 Genomes Project 0.00180.
gnomAD v4.1: 648 of 1,550,340 alleles (0.042%); highest among the groups gnomAD compares: East Asian, 1.2%; 3 homozygotes.

Submission:

PreventionGenetics, part of Exact Sciences
Classification: Benign for CFAP57-related condition. Last evaluated: 2019-06-21. Review status: no assertion criteria provided. Collection method: clinical testing. Allele origin: germline.
Comment: This variant is classified as benign based on ACMG/AMP sequence variant interpretation guidelines (Richards et al. 2015 PMID: 25741868, with internal and published modifications).